The following is an entry in ClinVar:

ClinVar aggregate classification (germline): Conflicting classifications of pathogenicity. Review status: criteria provided, conflicting classifications (1 of 4 stars). 7 submissions from 7 submitters: Uncertain significance (5); Likely benign (2). Last evaluated 2026-02-12.

Conditions:
USH2A-related disorder. Also called: USH2A-related condition; USH2A-related disorders. Identifiers: MedGen CN239332.
Inborn genetic diseases. Identifiers: MedGen C0950123, MeSH D030342.

Allele frequency attached by ClinVar (database versions not stated): ExAC 0.00001; gnomAD 0.00001 and 0.00002; TOPMed 0.00001.
gnomAD v4.1: 29 of 1,613,960 alleles (0.0018%); highest among the groups gnomAD compares: Middle Eastern, 0.082%; no homozygotes.

Submissions (7):

PreventionGenetics, part of Exact Sciences
Classification: Uncertain significance for USH2A-related condition. Last evaluated: 2026-02-12. Review status: criteria provided, single submitter. Criteria: ACMG Guidelines, 2015. Collection method: clinical testing. Allele origin: germline.
Comment: The USH2A c.14602G>A variant is predicted to result in the amino acid substitution p.Val4868Met. To our knowledge, this variant has not been reported in the literature. This variant is reported in 0.017% of alleles in individuals of Latino descent in gnomAD. At this time, the clinical significance of this variant is uncertain due to the absence of conclusive functional and genetic evidence.

Labcorp Genetics (formerly Invitae), Labcorp
Classification: Uncertain significance. Last evaluated: 2025-09-13. Review status: criteria provided, single submitter. Criteria: Invitae Variant Classification Sherloc (09022015). Collection method: clinical testing. Allele origin: germline.
Comment: This sequence change replaces valine, which is neutral and non-polar, with methionine, which is neutral and non-polar, at codon 4868 of the USH2A protein (p.Val4868Met). This variant is present in population databases (rs727504686, gnomAD 0.01%). This variant has not been reported in the literature in individuals affected with USH2A-related conditions. ClinVar contains an entry for this variant (Variation ID: 179174). Invitae Evidence Modeling of protein sequence and biophysical properties (such as structural, functional, and spatial information, amino acid conservation, physicochemical variation, residue mobility, and thermodynamic stability) indicates that this missense variant is not expected to disrupt USH2A protein function with a negative predictive value of 95%. In summary, the available evidence is currently insufficient to determine the role of this variant in disease. Therefore, it has been classified as a Variant of Uncertain Significance.

Blueprint Genetics
Classification: Uncertain significance. Last evaluated: 2024-03-12. Review status: criteria provided, single submitter. Criteria: ACMG Guidelines, 2015. Collection method: clinical testing. Allele origin: germline.

GeneDx
Classification: Uncertain significance. Last evaluated: 2023-04-24. Review status: criteria provided, single submitter. Criteria: GeneDx Variant Classification Process June 2021. Collection method: clinical testing. Allele origin: germline. Affected: yes.
Comment: In silico analysis supports that this missense variant does not alter protein structure/function; Has not been previously published as pathogenic or benign to our knowledge

Ambry Genetics
Classification: Uncertain significance for Inborn genetic diseases. Last evaluated: 2021-09-16. Review status: criteria provided, single submitter. Criteria: Ambry Variant Classification Scheme 2023. Collection method: clinical testing. Allele origin: germline.

Laboratory for Molecular Medicine, Mass General Brigham Personalized Medicine
Classification: Likely benign. Last evaluated: 2013-09-09. Review status: criteria provided, single submitter. Criteria: LMM Criteria. Collection method: clinical testing. Allele origin: germline. Observed: 1 variant allele.
Comment: Val4868Met in Exon 67 of USH2A: This variant is not expected to have clinical si gnificance because the valine (Val) residue at position 4868 is not conserved ac ross species, with tarsier, dolphin, platypus, and chicken having a methionine ( Met) at this position.

Breakthrough Genomics
Classification: Likely benign. Review status: criteria provided, single submitter. Criteria: ACMG Guidelines, 2015. Collection method: not provided. Allele origin: germline. Inheritance: Autosomal recessive inheritance. Affected: yes.

NM_206933.4(USH2A):c.14602G>A (p.Val4868Met)

Gene: USH2A (usherin; minus strand). Cytogenetic location: 1q41.
Variant type: single nucleotide variant.
Coding change: c.14602G>A on transcript NM_206933.4 (MANE Select); coding-DNA position 14602, G replaced by A.
Protein change: p.Val4868Met; replaces valine 4868 with methionine.
Molecular consequence: missense variant.
Genome position (GRCh38, 1-based): chr1:215,647,711, C>T on the plus strand (G>A on the coding strand, the complement: USH2A is on the minus strand). VCF-style: chr1-215647711-C-T. GRCh37 (hg19) VCF-style: chr1-215821053-C-T.
Other names: short protein forms V4868M.
Identifiers: ClinVar variation 179174 (VCV000179174.14), dbSNP rs727504686, ClinGen allele CA183870.